The following is an entry in ClinVar:

NM_000179.3(MSH6):c.1129A>T (p.Lys377Ter)

Gene: MSH6 (mutS homolog 6; plus strand). Cytogenetic location: 2p16.3.
Variant type: single nucleotide variant.
Coding change: c.1129A>T on transcript NM_000179.3 (MANE Select); coding-DNA position 1129, A replaced by T.
Protein change: p.Lys377Ter; replaces lysine 377 with a stop codon.
Molecular consequence: nonsense.
Genome position (GRCh38, 1-based): chr2:47,799,112, A>T. VCF-style: chr2-47799112-A-T. GRCh37 (hg19) VCF-style: chr2-48026251-A-T.
Other names: c.739A>T, p.Lys247Ter (NM_001281492.2); c.223A>T, p.Lys75Ter (NM_001281493.2, NM_001281494.2, NM_001406811.1 and 6 more transcripts); c.1225A>T, p.Lys409Ter (NM_001406795.1, NM_001406802.1); c.1129A>T, p.Lys377Ter (NM_001406796.1, NM_001406798.1, NM_001406800.1 and 4 more transcripts); c.832A>T, p.Lys278Ter (NM_001406797.1, NM_001406801.1, NM_001406805.1 and 10 more transcripts); c.604A>T, p.Lys202Ter (NM_001406799.1, NM_001406806.1, NM_001406807.1); c.1051A>T, p.Lys351Ter (NM_001406804.1); c.1135A>T, p.Lys379Ter (NM_001406813.1); and 1 more; short protein forms K321*, K351*, K377*, K247*, K379*, K75*, K278*, K202*.
Identifiers: ClinVar variation 1727638 (VCV001727638.5), dbSNP rs786202609, ClinGen allele CA346742078.

ClinVar aggregate classification (germline): Pathogenic. Review status: criteria provided, multiple submitters, no conflicts (2 of 4 stars). 3 submissions from 3 submitters: Pathogenic (3). Last evaluated 2025-04-22.

Conditions:
Hereditary nonpolyposis colorectal neoplasms. Identifiers: MedGen C0009405, MeSH D003123.
Hereditary cancer-predisposing syndrome. Also called: Tumor predisposition; Neoplastic Syndromes, Hereditary; Hereditary Cancer Syndrome; Hereditary neoplastic syndrome. Identifiers: Orphanet 140162, MedGen C0027672, MeSH D009386, MONDO:0015356.
Lynch syndrome 5 (LYNCH5). Also called: Colorectal cancer, hereditary nonpolyposis, type 5; Hereditary non-polyposis colorectal cancer, type 5. Identifiers: Orphanet 144, MedGen C1833477, MONDO:0013710, OMIM 614350. Disease mechanism: loss of function.

Submissions (3):

Labcorp Genetics (formerly Invitae), Labcorp
Classification: Pathogenic for Hereditary nonpolyposis colorectal neoplasms. Last evaluated: 2025-04-22. Review status: criteria provided, single submitter. Criteria: Invitae Variant Classification Sherloc (09022015). Collection method: clinical testing. Allele origin: germline.
Comment: This sequence change creates a premature translational stop signal (p.Lys377*) in the MSH6 gene. It is expected to result in an absent or disrupted protein product. Loss-of-function variants in MSH6 are known to be pathogenic (PMID: 18269114, 24362816). This variant is not present in population databases (gnomAD no frequency). This variant has not been reported in the literature in individuals affected with MSH6-related conditions. ClinVar contains an entry for this variant (Variation ID: 1727638). For these reasons, this variant has been classified as Pathogenic.

Myriad Genetics, Inc.
Classification: Pathogenic for Lynch syndrome 5. Last evaluated: 2023-02-08. Review status: criteria provided, single submitter. Criteria: Myriad Autosomal Dominant, Autosomal Recessive and X-Linked Classification Criteria (2023). Collection method: clinical testing. Allele origin: unknown.
Comment: This variant is considered pathogenic. This variant creates a termination codon and is predicted to result in premature protein truncation.

Ambry Genetics
Classification: Pathogenic for Hereditary cancer-predisposing syndrome. Last evaluated: 2021-06-15. Review status: criteria provided, single submitter. Criteria: Ambry Variant Classification Scheme 2023. Collection method: clinical testing. Allele origin: germline.
Comment: The p.K377* pathogenic mutation (also known as c.1129A>T), located in coding exon 4 of the MSH6 gene, results from an A to T substitution at nucleotide position 1129. This changes the amino acid from a lysine to a stop codon within coding exon 4. This alteration is expected to result in loss of function by premature protein truncation or nonsense-mediated mRNA decay. As such, this alteration is interpreted as a disease-causing mutation.

Literature cited by the submitters: PubMed 18269114 (cited by Labcorp Genetics (formerly Invitae), Labcorp); PubMed 24362816 (cited by Labcorp Genetics (formerly Invitae), Labcorp).